The following is an entry in ClinVar:

NM_000426.4(LAMA2):c.1816A>G (p.Ile606Val)

Gene: LAMA2 (laminin subunit alpha 2; plus strand). Cytogenetic location: 6q22.33.
Variant type: single nucleotide variant.
Coding change: c.1816A>G on transcript NM_000426.4 (MANE Select); coding-DNA position 1816, A replaced by G.
Protein change: p.Ile606Val; replaces isoleucine 606 with valine.
Molecular consequence: missense variant.
Genome position (GRCh38, 1-based): chr6:129,250,145, A>G. VCF-style: chr6-129250145-A-G. GRCh37 (hg19) VCF-style: chr6-129571290-A-G.
Other names: c.1816A>G, p.Ile606Val (NM_001079823.2); short protein forms I606V.
Identifiers: ClinVar variation 194171 (VCV000194171.15), dbSNP rs113022759, ClinGen allele CA240011.

ClinVar aggregate classification (germline): Conflicting classifications of pathogenicity. Review status: criteria provided, conflicting classifications (1 of 4 stars). 4 submissions from 4 submitters: Uncertain significance (3); Benign (1). Last evaluated 2026-01-19.

Conditions:
Merosin deficient congenital muscular dystrophy (MDC1A). Also called: Congenital merosin-deficient muscular dystrophy 1A; Congenital Muscular Dystrophy Type 1A (MDC1A). Identifiers: Orphanet 258, MedGen C1263858, MONDO:0011925, OMIM 607855.
Muscular dystrophy, limb-girdle, autosomal recessive 23. Identifiers: Orphanet 565837, MedGen C4748327, MONDO:0029136, OMIM 618138.
LAMA2-related muscular dystrophy (LAMA2-RD). Also called: Laminin alpha 2-related dystrophy. Identifiers: MedGen C5679788, MONDO:0100228.

Allele frequency attached by ClinVar (database versions not stated): gnomAD exomes 0.00002 and 0.00004; ExAC 0.00005; gnomAD 0.00010 and 0.00012; TOPMed 0.00011.
gnomAD v4.1: 67 of 1,609,500 alleles (0.0042%); highest among the groups gnomAD compares: African/African-American, 0.045%; 1 homozygote.

Submissions (4):

Labcorp Genetics (formerly Invitae), Labcorp
Classification: Benign for LAMA2-related muscular dystrophy. Last evaluated: 2026-01-19. Review status: criteria provided, single submitter. Criteria: Invitae Variant Classification Sherloc (09022015). Collection method: clinical testing. Allele origin: germline.

Fulgent Genetics
Classification: Uncertain significance for Merosin deficient congenital muscular dystrophy; Muscular dystrophy, limb-girdle, autosomal recessive 23. Last evaluated: 2024-04-30. Review status: criteria provided, single submitter. Criteria: ACMG Guidelines, 2015. Collection method: clinical testing. Allele origin: germline.

GeneDx
Classification: Uncertain significance. Last evaluated: 2023-07-03. Review status: criteria provided, single submitter. Criteria: GeneDx Variant Classification Process June 2021. Collection method: clinical testing. Allele origin: germline. Affected: yes.
Comment: In silico analysis supports that this missense variant does not alter protein structure/function; Has not been previously published as pathogenic or benign to our knowledge

Eurofins Ntd Llc (ga)
Classification: Uncertain significance. Last evaluated: 2014-12-09. Review status: criteria provided, single submitter. Criteria: EGL Classification Definitions 2015. Collection method: clinical testing. Allele origin: germline. Observed: 1 variant allele, 1 heterozygote.